The following is an entry in ClinVar:

ClinVar aggregate classification (germline): Uncertain significance (1 of 4 stars; one submission).

Submission:

Labcorp Genetics (formerly Invitae), Labcorp
Classification: Uncertain significance. Last evaluated: 2025-06-17. Review status: criteria provided, single submitter. Criteria: Invitae Variant Classification Sherloc (09022015). Collection method: clinical testing. Allele origin: germline.
Comment: This sequence change replaces arginine, which is basic and polar, with serine, which is neutral and polar, at codon 1261 of the MYH3 protein (p.Arg1261Ser). This variant is present in population databases (no rsID available, gnomAD 0.006%). This variant has not been reported in the literature in individuals affected with MYH3-related conditions. ClinVar contains an entry for this variant (Variation ID: 3669846). Invitae Evidence Modeling of protein sequence and biophysical properties (such as structural, functional, and spatial information, amino acid conservation, physicochemical variation, residue mobility, and thermodynamic stability) indicates that this missense variant is not expected to disrupt MYH3 protein function with a negative predictive value of 95%. In summary, the available evidence is currently insufficient to determine the role of this variant in disease. Therefore, it has been classified as a Variant of Uncertain Significance.

NM_002470.4(MYH3):c.3783G>C (p.Arg1261Ser)

Gene: MYH3 (myosin heavy chain 3; minus strand). Cytogenetic location: 17p13.1.
Variant type: single nucleotide variant.
Coding change: c.3783G>C on transcript NM_002470.4 (MANE Select); coding-DNA position 3783, G replaced by C.
Protein change: p.Arg1261Ser; replaces arginine 1261 with serine.
Molecular consequence: missense variant.
Genome position (GRCh38, 1-based): chr17:10,637,882, C>G on the plus strand (G>C on the coding strand, the complement: MYH3 is on the minus strand). VCF-style: chr17-10637882-C-G. GRCh37 (hg19) VCF-style: chr17-10541199-C-G.
Other names: short protein forms R1261S.
Identifiers: ClinVar variation 3669846 (VCV003669846.2).